The following is an entry in ClinVar:

ClinVar aggregate classification (germline): Likely benign (1 of 4 stars; one submission).

gnomAD v4.1: 698 of 1,607,786 alleles (0.043%); highest among the groups gnomAD compares: East Asian, 1.3%; 8 homozygotes.

Submission:

CeGaT Center for Human Genetics Tuebingen
Classification: Likely benign. Last evaluated: 2025-11-01. Review status: criteria provided, single submitter. Criteria: CeGaT Center For Human Genetics Tuebingen Variant Classification Criteria Version 2. Collection method: clinical testing. Allele origin: germline. Affected: yes. Observed: 2 variant alleles.
Comment: NUP188: BS1

NM_015354.3(NUP188):c.4655A>G (p.Tyr1552Cys)

Gene: NUP188 (nucleoporin 188; plus strand). Cytogenetic location: 9q34.11.
Variant type: single nucleotide variant.
Coding change: c.4655A>G on transcript NM_015354.3 (MANE Select); coding-DNA position 4655, A replaced by G.
Protein change: p.Tyr1552Cys; replaces tyrosine 1552 with cysteine.
Molecular consequence: missense variant.
Genome position (GRCh38, 1-based): chr9:129,005,448, A>G. VCF-style: chr9-129005448-A-G. GRCh37 (hg19) VCF-style: chr9-131767727-A-G.
Other names: short protein forms Y1552C.
Identifiers: ClinVar variation 3777899 (VCV003777899.7).